The following is an entry in ClinVar:

ClinVar aggregate classification (germline): Uncertain significance (1 of 4 stars; one submission).

Allele frequency attached by ClinVar (database versions not stated): TOPMed 0.00002.
gnomAD v4.1: 25 of 1,530,830 alleles (0.0016%); highest among the groups gnomAD compares: Non-Finnish European, 0.0021%; no homozygotes.

Submission:

Labcorp Genetics (formerly Invitae), Labcorp
Classification: Uncertain significance. Last evaluated: 2023-06-15. Review status: criteria provided, single submitter. Criteria: Invitae Variant Classification Sherloc (09022015). Collection method: clinical testing. Allele origin: germline.
Comment: This sequence change replaces proline, which is neutral and non-polar, with leucine, which is neutral and non-polar, at codon 1440 of the DCHS1 protein (p.Pro1440Leu). The frequency data for this variant in the population databases is considered unreliable, as metrics indicate poor data quality at this position in the gnomAD database. This variant has not been reported in the literature in individuals affected with DCHS1-related conditions. Advanced modeling of protein sequence and biophysical properties (such as structural, functional, and spatial information, amino acid conservation, physicochemical variation, residue mobility, and thermodynamic stability) performed at Invitae indicates that this missense variant is not expected to disrupt DCHS1 protein function. In summary, the available evidence is currently insufficient to determine the role of this variant in disease. Therefore, it has been classified as a Variant of Uncertain Significance.

NM_003737.4(DCHS1):c.4319C>T (p.Pro1440Leu)

Gene: DCHS1 (dachsous cadherin-related 1; minus strand). Cytogenetic location: 11p15.4.
Variant type: single nucleotide variant.
Coding change: c.4319C>T on transcript NM_003737.4 (MANE Select); coding-DNA position 4319, C replaced by T.
Protein change: p.Pro1440Leu; replaces proline 1440 with leucine.
Molecular consequence: missense variant.
Genome position (GRCh38, 1-based): chr11:6,630,475, G>A on the plus strand (C>T on the coding strand, the complement: DCHS1 is on the minus strand). VCF-style: chr11-6630475-G-A. GRCh37 (hg19) VCF-style: chr11-6651706-G-A.
Other names: short protein forms P1440L.
Identifiers: ClinVar variation 2907745 (VCV002907745.3), dbSNP rs1481613648, ClinGen allele CA379405902.
Genomic context (GRCh38, chr11:6,630,475, plus strand): 5'-GCGCGGAAAGTGTACAGCGCTGCGCCGGGCTCCGGGTTCTCTGGCAGCGCCAGCGCCAGC[G>A]GGTCGCGCGCAAAGGCGGGCGCATGCTCATTCTCGTCCTGCACTTGCACCTGCACTCGCA-3'
Protein context (NP_003728.1, residues 1430-1450): NEHAPAFARD[Pro1440Leu]LALALPENPE